The following is an entry in ClinVar:

ClinVar aggregate classification (germline): Pathogenic (1 of 4 stars; one submission).

Conditions:
Neurofibromatosis, type 2 (SWNV). Also called: BILATERAL ACOUSTIC NEUROFIBROMATOSIS; SCHWANNOMATOSIS, VESTIBULAR; NF2-Related Schwannomatosis. Identifiers: Orphanet 637, MedGen C0027832, MONDO:0007039, OMIM 101000. Disease mechanism: loss of function.

Submission:

Labcorp Genetics (formerly Invitae), Labcorp
Classification: Pathogenic for Neurofibromatosis, type 2. Last evaluated: 2021-06-05. Review status: criteria provided, single submitter. Criteria: Invitae Variant Classification Sherloc (09022015). Collection method: clinical testing. Allele origin: germline.
Comment: A gross deletion of the genomic region encompassing the full coding sequence of the NF2 gene has been identified. Loss-of-function variants in NF2 are known to be pathogenic (PMID: 9643284, 16983642). The boundaries of this event are unknown as they extend beyond the assayed region for this gene and therefore may encompass additional genes. Deletion of the NF2 gene has been observed in individual(s) with neurofibromatosis type 2 (PMID: 9817927, 10220142, 15645494). For these reasons, this variant has been classified as Pathogenic.

Literature cited by the submitters: PubMed 9643284; PubMed 16983642; PubMed 9817927; PubMed 10220142; PubMed 15645494.

NC_000022.10:g.(?_29998545)_(30095589_?)del

Gene: NF2 (NF2, moesin-ezrin-radixin like (MERLIN) tumor suppressor; plus strand). Cytogenetic location: 22q12.2.
Variant type: Deletion.
Identifiers: ClinVar variation 1458942 (VCV001458942.1).